The following is an entry in ClinVar:

ClinVar aggregate classification (germline): Uncertain significance. Review status: criteria provided, multiple submitters, no conflicts (2 of 4 stars). 2 submissions from 2 submitters: Uncertain significance (2). Last evaluated 2023-07-25.

Conditions:
Hereditary cancer-predisposing syndrome. Also called: Neoplastic Syndromes, Hereditary; Hereditary Cancer Syndrome; Hereditary neoplastic syndrome; Tumor predisposition. Identifiers: Orphanet 140162, MedGen C0027672, MeSH D009386, MONDO:0015356.
Retinoblastoma (RB1). Also called: RETINOBLASTOMA, SOMATIC. Identifiers: Orphanet 790, MedGen C0035335, MeSH D012175, MONDO:0008380, OMIM 180200, HP:0009919. Disease mechanism: loss of function. Inheritance: Both sporadic and heritable forms are tested..

Allele frequency attached by ClinVar (database versions not stated): TOPMed below 0.00001.

Submissions (2):

Labcorp Genetics (formerly Invitae), Labcorp
Classification: Uncertain significance for Retinoblastoma. Last evaluated: 2023-07-25. Review status: criteria provided, single submitter. Criteria: Invitae Variant Classification Sherloc (09022015). Collection method: clinical testing. Allele origin: germline.
Comment: In summary, the available evidence is currently insufficient to determine the role of this variant in disease. Therefore, it has been classified as a Variant of Uncertain Significance. Advanced modeling of protein sequence and biophysical properties (such as structural, functional, and spatial information, amino acid conservation, physicochemical variation, residue mobility, and thermodynamic stability) performed at Invitae indicates that this missense variant is not expected to disrupt RB1 protein function. ClinVar contains an entry for this variant (Variation ID: 2551279). This variant has not been reported in the literature in individuals affected with RB1-related conditions. This variant is not present in population databases (gnomAD no frequency). This sequence change replaces serine, which is neutral and polar, with threonine, which is neutral and polar, at codon 82 of the RB1 protein (p.Ser82Thr).

Ambry Genetics
Classification: Uncertain significance for Hereditary cancer-predisposing syndrome. Last evaluated: 2023-05-24. Review status: criteria provided, single submitter. Criteria: Ambry Variant Classification Scheme 2023. Collection method: clinical testing. Allele origin: germline.

NM_000321.3(RB1):c.244T>A (p.Ser82Thr)

Gene: RB1 (RB transcriptional corepressor 1; plus strand). Cytogenetic location: 13q14.2.
Variant type: single nucleotide variant.
Coding change: c.244T>A on transcript NM_000321.3 (MANE Select); coding-DNA position 244, T replaced by A.
Protein change: p.Ser82Thr; replaces serine 82 with threonine.
Molecular consequence: missense variant.
Genome position (GRCh38, 1-based): chr13:48,307,386, T>A. VCF-style: chr13-48307386-T-A. GRCh37 (hg19) VCF-style: chr13-48881522-T-A.
Other names: c.244T>A, p.Ser82Thr (NM_001407165.1, NM_001407166.1, NM_001407167.1); short protein forms S82T.
Identifiers: ClinVar variation 2551279 (VCV002551279.5), dbSNP rs1233268756, ClinGen allele CA388250658.